The following is an entry in ClinVar:

NM_020975.6(RET):c.2629G>C (p.Ala877Pro)

Gene: RET (ret proto-oncogene; plus strand). Cytogenetic location: 10q11.21.
Variant type: single nucleotide variant.
Coding change: c.2629G>C on transcript NM_020975.6 (MANE Select); coding-DNA position 2629, G replaced by C.
Protein change: p.Ala877Pro; replaces alanine 877 with proline.
Molecular consequence: missense variant.
Genome position (GRCh38, 1-based): chr10:43,120,102, G>C. VCF-style: chr10-43120102-G-C. GRCh37 (hg19) VCF-style: chr10-43615550-G-C.
Other names: c.2629G>C, p.Ala877Pro (NM_000323.2, NM_001406743.1, NM_001406744.1 and 4 more transcripts); c.1867G>C, p.Ala623Pro (NM_001355216.2); c.2500G>C, p.Ala834Pro (NM_001406761.1, NM_001406762.1, NM_001406764.1); c.2494G>C, p.Ala832Pro (NM_001406763.1, NM_001406765.1); c.2341G>C, p.Ala781Pro (NM_001406766.1, NM_001406767.1, NM_001406770.1); c.2365G>C, p.Ala789Pro (NM_001406768.1); c.2233G>C, p.Ala745Pro (NM_001406769.1, NM_001406772.1); c.2191G>C, p.Ala731Pro (NM_001406771.1, NM_001406773.1); and 10 more; short protein forms A877P, A623P, A535P, A538P, A781P, A789P, A635P, A702P.
Identifiers: ClinVar variation 870394 (VCV000870394.4), dbSNP rs1838178869, ClinGen allele CA376557057.

ClinVar aggregate classification (germline): Likely pathogenic (1 of 4 stars; one submission).

Conditions:
Hirschsprung disease, susceptibility to, 1 (HSCR1). Also called: RET-Related Hirschsprung Disease. Identifiers: Orphanet 388, MedGen C3888239, MONDO:0007723, OMIM 142623.

Submission:

Victorian Clinical Genetics Services, Murdoch Childrens Research Institute
Classification: Likely pathogenic for Hirschsprung disease, susceptibility to, 1. Last evaluated: 2018-08-24. Review status: criteria provided, single submitter. Criteria: ACMG Guidelines, 2015. Collection method: clinical testing. Allele origin: de novo. Affected: yes. Observed: 1 variant allele.
Comment: A heterozygous missense variant, NM_020975.5(RET):c.2629G>C, has been identified in exon 15 of 20 of the RET gene. The variant is predicted to result in a minor amino acid change from alanine to proline at position 877 of the protein (NP_066124.1(RET):p.(Ala877Pro)). The alanine residue at this position has very high conservation (100 vertebrates, UCSC), and is located within the Proteain kinase functional domain. In silico predictions for this variant are consistently pathogenic (Polyphen, SIFT, CADD, Mutation Taster). The variant is absent in population databases (gnomAD, dbSNP). This variant has not been previously reported in clinical cases. Analysis of parental samples indicated this variant to be de novo. Based on the information available at the time of curation, this variant has been classified as LIKELY PATHOGENIC.